The following is an entry in ClinVar:

ClinVar aggregate classification (germline): Conflicting classifications of pathogenicity. Review status: criteria provided, conflicting classifications (1 of 4 stars). 7 submissions from 5 submitters: Uncertain significance (3); Benign (1); Likely benign (2). 1 of the submissions does not count toward it. Last evaluated 2026-01-19.

Conditions:
Leber congenital amaurosis 8 (LCA8). Identifiers: Orphanet 65, MedGen C3151202, MONDO:0013453, OMIM 613835.
Retinal dystrophy. Also called: Inherited retinal dystrophy. Identifiers: Orphanet 71862, MedGen C0854723, MeSH D058499, MONDO:0019118, HP:0000556.
Retinitis pigmentosa 12 (RP12). Also called: RP WITH OR WITHOUT PRESERVED PARAARTERIOLE RETINAL PIGMENT EPITHELIUM; RETINITIS PIGMENTOSA WITH OR WITHOUT PARAARTERIOLAR PRESERVATION OF RETINAL PIGMENT EPITHELIUM; RP WITH OR WITHOUT PPRPE. Identifiers: Orphanet 791, MedGen C1838647, MONDO:0010818, OMIM 600105.
Leber congenital amaurosis (LCA). Also called: Leber's amaurosis. Identifiers: Orphanet 65, MedGen C0339527, MeSH D057130, MONDO:0018998.
Retinitis pigmentosa (RP). Identifiers: Orphanet 791, MedGen C0035334, MeSH D012174, MONDO:0019200, OMIM 268000. Inheritance: Autosomal dominant, autosomal recessive and X linked inheritance.
Pigmented paravenous retinochoroidal atrophy. Identifiers: Orphanet 251295, MedGen C1868310, MONDO:0008246, OMIM 172870.

Allele frequency attached by ClinVar (database versions not stated): gnomAD 0.00001; gnomAD exomes 0.00005; TOPMed 0.00005; ExAC 0.00006.

Submissions (7):

Labcorp Genetics (formerly Invitae), Labcorp
Classification: Likely benign for Leber congenital amaurosis 8; Retinitis pigmentosa 12. Last evaluated: 2026-01-19. Review status: criteria provided, single submitter. Criteria: Invitae Variant Classification Sherloc (09022015). Collection method: clinical testing. Allele origin: germline.

Dept Of Ophthalmology, Nagoya University
Classification: Uncertain significance for Retinal dystrophy. Last evaluated: 2023-10-01. Review status: criteria provided, single submitter. Criteria: Submitter's publication. Collection method: research. Allele origin: germline. Affected: yes.

Blueprint Genetics
Classification: Likely benign. Last evaluated: 2023-09-24. Review status: criteria provided, single submitter. Criteria: ACMG Guidelines, 2015. Collection method: clinical testing. Allele origin: germline.

Illumina Laboratory Services, Illumina
Classification: Uncertain significance for Retinitis pigmentosa. Last evaluated: 2018-01-13. Review status: criteria provided, single submitter. Criteria: ICSL Variant Classification Criteria 13 December 2019. Collection method: clinical testing. Allele origin: germline.

Illumina Laboratory Services, Illumina
Classification: Uncertain significance for Leber congenital amaurosis 8. Last evaluated: 2018-01-13. Review status: criteria provided, single submitter. Criteria: ICSL Variant Classification Criteria 13 December 2019. Collection method: clinical testing. Allele origin: germline.

Illumina Laboratory Services, Illumina
Classification: Benign for Pigmented paravenous retinochoroidal atrophy. Last evaluated: 2018-01-13. Review status: criteria provided, single submitter. Criteria: ICSL Variant Classification Criteria 13 December 2019. Collection method: clinical testing. Allele origin: germline.
Comment: This variant was observed in the ICSL laboratory as part of a predisposition screen in an ostensibly healthy population. It had not been previously curated by ICSL or reported in the Human Gene Mutation Database (HGMD: prior to June 1st, 2018), and was therefore a candidate for classification through an automated scoring system. Utilizing variant allele frequency, disease prevalence and penetrance estimates, and inheritance mode, an automated score was calculated to assess if this variant is too frequent to cause the disease. Based on the score and internal cut-off values, a variant classified as benign is not then subjected to further curation. The score for this variant resulted in a classification of benign for this disease.

Natera, Inc.
Classification: Likely benign for Leber congenital amaurosis. Last evaluated: 2020-12-03. Review status: no assertion criteria provided. Collection method: clinical testing. Allele origin: germline. Not counted in ClinVar's aggregate classification.

NM_201253.3(CRB1):c.1752C>T (p.Asp584=)

Gene: CRB1 (crumbs cell polarity complex component 1; plus strand). Cytogenetic location: 1q31.3.
Variant type: single nucleotide variant.
Coding change: c.1752C>T on transcript NM_201253.3 (MANE Select); coding-DNA position 1752, C replaced by T.
Protein change: p.Asp584=; no amino-acid change (aspartic acid 584 retained).
Molecular consequence: synonymous variant. On other transcripts: non-coding transcript variant (1).
Genome position (GRCh38, 1-based): chr1:197,421,580, C>T. VCF-style: chr1-197421580-C-T. GRCh37 (hg19) VCF-style: chr1-197390710-C-T.
Other names: c.1416C>T, p.Asp472= (NM_001193640.2); c.1545C>T, p.Asp515= (NM_001257965.2); c.1752C>T, p.Asp584= (NM_001257966.2).
Identifiers: ClinVar variation 294672 (VCV000294672.17), dbSNP rs750442312, ClinGen allele CA1311978.